The following is an entry in ClinVar:

NM_001351132.2(PEX5):c.266C>T (p.Ala89Val)

Gene: PEX5 (peroxisomal biogenesis factor 5; plus strand). Cytogenetic location: 12p13.31.
Variant type: single nucleotide variant.
Coding change: c.266C>T on transcript NM_001351132.2 (MANE Select); coding-DNA position 266, C replaced by T.
Protein change: p.Ala89Val; replaces alanine 89 with valine.
Molecular consequence: missense variant.
Genome position (GRCh38, 1-based): chr12:7,191,308, C>T. VCF-style: chr12-7191308-C-T. GRCh37 (hg19) VCF-style: chr12-7343904-C-T.
Other names: c.266C>T, p.Ala89Val (NM_000319.5, NM_001131024.2, NM_001131025.2 and 19 more transcripts); c.311C>T, p.Ala104Val (NM_001131023.2, NM_001351135.3, NM_001351138.2); short protein forms A104V, A89V.
Identifiers: ClinVar variation 2084003 (VCV002084003.4), dbSNP rs2539832860, ClinGen allele CA383711305.
Genomic context (GRCh38, chr12:7,191,308, plus strand): 5'-ACCAGAATGCACCCCTTGTGTCCCGTGCCCCTCAGACCTTCAAGATGGATGACCTCCTGG[C>T]TGAGATGCAGCAGATTGAGCAGTCAAACTTCCGCCAGGCTCCCCAGAGAGGTGAGTCCAG-3'
Protein context (NP_001338061.1, residues 79-99): PQTFKMDDLL[Ala89Val]EMQQIEQSNF

ClinVar aggregate classification (germline): Uncertain significance (1 of 4 stars; one submission).

Conditions:
Peroxisome biogenesis disorder 2B (PBD2B). Identifiers: Orphanet 44, MedGen C3550234, MONDO:0008736, OMIM 202370.

Submission:

Labcorp Genetics (formerly Invitae), Labcorp
Classification: Uncertain significance for Peroxisome biogenesis disorder 2B. Last evaluated: 2022-08-22. Review status: criteria provided, single submitter. Criteria: Invitae Variant Classification Sherloc (09022015). Collection method: clinical testing. Allele origin: germline.
Comment: In summary, the available evidence is currently insufficient to determine the role of this variant in disease. Therefore, it has been classified as a Variant of Uncertain Significance. Algorithms developed to predict the effect of missense changes on protein structure and function (SIFT, PolyPhen-2, Align-GVGD) all suggest that this variant is likely to be tolerated. This sequence change replaces alanine, which is neutral and non-polar, with valine, which is neutral and non-polar, at codon 89 of the PEX5 protein (p.Ala89Val). This variant is not present in population databases (gnomAD no frequency). This variant has not been reported in the literature in individuals affected with PEX5-related conditions.